The following is an entry in ClinVar:

ClinVar aggregate classification (germline): Conflicting classifications of pathogenicity. Review status: criteria provided, conflicting classifications (1 of 4 stars). 2 submissions from 2 submitters: Uncertain significance (1); Likely benign (1). Last evaluated 2025-11-21.

Conditions:
Hereditary cancer-predisposing syndrome. Also called: Hereditary Cancer Syndrome; Hereditary neoplastic syndrome; Tumor predisposition; Neoplastic Syndromes, Hereditary. Identifiers: Orphanet 140162, MedGen C0027672, MeSH D009386, MONDO:0015356.

Allele frequency attached by ClinVar (database versions not stated): gnomAD exomes below 0.00001.

Submissions (2):

Labcorp Genetics (formerly Invitae), Labcorp
Classification: Uncertain significance. Last evaluated: 2025-11-21. Review status: criteria provided, single submitter. Criteria: Invitae Variant Classification Sherloc (09022015). Collection method: clinical testing. Allele origin: germline.
Comment: This sequence change replaces lysine, which is basic and polar, with asparagine, which is neutral and polar, at codon 101 of the POLE protein (p.Lys101Asn). This variant is present in population databases (no rsID available, gnomAD 0.003%). This variant has not been reported in the literature in individuals affected with POLE-related conditions. ClinVar contains an entry for this variant (Variation ID: 841003). Invitae Evidence Modeling of protein sequence and biophysical properties (such as structural, functional, and spatial information, amino acid conservation, physicochemical variation, residue mobility, and thermodynamic stability) indicates that this missense variant is not expected to disrupt POLE protein function with a negative predictive value of 80%. In summary, the available evidence is currently insufficient to determine the role of this variant in disease. Therefore, it has been classified as a Variant of Uncertain Significance.

Ambry Genetics
Classification: Likely benign for Hereditary cancer-predisposing syndrome. Last evaluated: 2025-08-21. Review status: criteria provided, single submitter. Criteria: Ambry Variant Classification Scheme 2023. Collection method: clinical testing. Allele origin: germline.

NM_006231.4(POLE):c.303A>C (p.Lys101Asn)

Gene: POLE (DNA polymerase epsilon, catalytic subunit; minus strand). Cytogenetic location: 12q24.33.
Variant type: single nucleotide variant.
Coding change: c.303A>C on transcript NM_006231.4 (MANE Select); coding-DNA position 303, A replaced by C.
Protein change: p.Lys101Asn; replaces lysine 101 with asparagine.
Molecular consequence: missense variant.
Genome position (GRCh38, 1-based): chr12:132,680,205, T>G on the plus strand (A>C on the coding strand, the complement: POLE is on the minus strand). VCF-style: chr12-132680205-T-G. GRCh37 (hg19) VCF-style: chr12-133256791-T-G.
Other names: c.303A>C (NM_006231.2); short protein forms K101N.
Identifiers: ClinVar variation 841003 (VCV000841003.10), dbSNP rs1248231190, ClinGen allele CA387368755.
Genomic context (GRCh38, chr12:132,680,205, plus strand): 5'-GTCGTCTGACCTGAGTCTATGAAACACACTCACCTTTCTGGTCGCAATGTAGAAATACGG[T>G]TTATAGGGCAAAGCCACCTGTTAAGAGTCACCAACCCATCCAGGGGTGATGAGAAAGAAG-3'
Protein context (NP_006222.2, residues 91-111): GSRFKVALPY[Lys101Asn]PYFYIATRKG